The following is an entry in ClinVar:

NM_020461.4(TUBGCP6):c.5169-2A>G

Gene: TUBGCP6 (tubulin gamma complex component 6; minus strand). Cytogenetic location: 22q13.33.
Variant type: single nucleotide variant.
Coding change: c.5169-2A>G on transcript NM_020461.4 (MANE Select); the canonical splice acceptor site of the intron before coding-DNA position 5169, A replaced by G.
Molecular consequence: splice acceptor variant.
Genome position (GRCh38, 1-based): chr22:50,218,119, T>C on the plus strand (A>G on the coding strand, the complement: TUBGCP6 is on the minus strand). VCF-style: chr22-50218119-T-C. GRCh37 (hg19) VCF-style: chr22-50656548-T-C.
Identifiers: ClinVar variation 1488954 (VCV001488954.8), dbSNP rs2064448593, ClinGen allele CA412163701.
Genomic context (GRCh38, chr22:50,218,119, plus strand): 5'-GGCTGAAGATGCTGTGGATGACGTTCATGACGGGCGCCGCCTTCTCCGTGAGCAGGCCCC[T>C]GGGGGGAAGCAGTGCTGCTGGGTGGGCTGAGCCGTGACCACAGGGACGCAGCCGCTGCCC-3'

ClinVar aggregate classification (germline): Likely pathogenic (1 of 4 stars; one submission).

Submission:

Labcorp Genetics (formerly Invitae), Labcorp
Classification: Likely pathogenic. Last evaluated: 2020-12-02. Review status: criteria provided, single submitter. Criteria: Invitae Variant Classification Sherloc (09022015). Collection method: clinical testing. Allele origin: germline.
Comment: In summary, the currently available evidence indicates that the variant is pathogenic, but additional data are needed to prove that conclusively. Therefore, this variant has been classified as Likely Pathogenic. This sequence change affects an acceptor splice site in intron 23 of the TUBGCP6 gene. It is expected to disrupt RNA splicing. Variants that disrupt the donor or acceptor splice site typically lead to a loss of protein function (PMID: 16199547), and loss-of-function variants in TUBGCP6 are known to be pathogenic (PMID: 25344692). This variant is not present in population databases (ExAC no frequency). This variant has not been reported in the literature in individuals with TUBGCP6-related conditions. Algorithms developed to predict the effect of sequence changes on RNA splicing suggest that this variant may disrupt the consensus splice site, but this prediction has not been confirmed by published transcriptional studies.

Literature cited by the submitters: PubMed 16199547; PubMed 25344692.